The following is an entry in ClinVar:

NM_024753.5(TTC21B):c.914TTC[1] (p.Leu306del)

Gene: TTC21B (tetratricopeptide repeat domain 21B; minus strand). Cytogenetic location: 2q24.3.
Variant type: Microsatellite.
Coding change: c.914TTC[1] on transcript NM_024753.5 (MANE Select); one copy of the 3-base unit TTC starting at c.914; the reference has two copies in a row; one copy, 3 bases deleted; also written c.917_919del.
Protein change: p.Leu306del; deletes leucine 306.
Molecular consequence: inframe deletion.
Genome position (GRCh38, 1-based): chr2:165,930,340-165,930,342, GAA deleted on the plus strand (TTC on the coding strand, the reverse complement: TTC21B is on the minus strand); deleting any 3 consecutive bases within chr2:165,930,340-165,930,345 gives the same sequence; the position shown is the placement nearest the transcript's 3' end. VCF-style (leftmost placement, unchanged base first): chr2-165930339-TGAA-T. GRCh37 (hg19) VCF-style: chr2-166786849-TGAA-T.
Other names: c.917_919del (NM_024753.5); short protein forms L306del.
Identifiers: ClinVar variation 2582457 (VCV002582457.2), dbSNP rs2468212814, ClinGen allele CA2582342018.

ClinVar aggregate classification (germline): Uncertain significance. Review status: criteria provided, multiple submitters, no conflicts (2 of 4 stars). 2 submissions from 2 submitters: Uncertain significance (2). Last evaluated 2024-08-29.

Conditions:
Nephronophthisis. Also called: Juvenile Nephronophthisis. Identifiers: Orphanet 655, MedGen C0687120, MONDO:0019005, HP:0000090.
Jeune thoracic dystrophy. Also called: Jeune syndrome; Infantile thoracic dystrophy; Thoracic pelvic phalangeal dystrophy; Jeune's syndrome; Chondroectodermal dysplasia-like syndrome; Short-rib thoracic dysplasia. Identifiers: Orphanet 474, MedGen C0265275, MONDO:0018770.
Nephronophthisis 12 (NPHP12). Identifiers: Orphanet 655, MedGen C3151186, MONDO:0013442, OMIM 613820.

Submissions (2):

Labcorp Genetics (formerly Invitae), Labcorp
Classification: Uncertain significance for Jeune thoracic dystrophy; Nephronophthisis. Last evaluated: 2024-08-29. Review status: criteria provided, single submitter. Criteria: Invitae Variant Classification Sherloc (09022015). Collection method: clinical testing. Allele origin: germline.
Comment: This variant, c.917_919del, results in the deletion of 1 amino acid(s) of the TTC21B protein (p.Leu306del), but otherwise preserves the integrity of the reading frame. This variant is not present in population databases (gnomAD no frequency). This variant has not been reported in the literature in individuals affected with TTC21B-related conditions. Experimental studies and prediction algorithms are not available or were not evaluated, and the functional significance of this variant is currently unknown. In summary, the available evidence is currently insufficient to determine the role of this variant in disease. Therefore, it has been classified as a Variant of Uncertain Significance.

Baylor Genetics
Classification: Uncertain significance for Nephronophthisis 12. Last evaluated: 2023-01-06. Review status: criteria provided, single submitter. Criteria: ACMG Guidelines, 2015. Collection method: clinical testing. Allele origin: unknown.